The following is an entry in ClinVar:

NM_014889.4(PITRM1):c.2612G>A (p.Arg871Gln)

Genes: PITRM1 (pitrilysin metallopeptidase 1; minus strand), PITRM1-AS1 (PITRM1 antisense RNA 1; plus strand). Cytogenetic location: 10p15.2.
Variant type: single nucleotide variant.
Coding change: c.2612G>A on transcript NM_014889.4 (MANE Select); coding-DNA position 2612, G replaced by A.
Protein change: p.Arg871Gln; replaces arginine 871 with glutamine.
Molecular consequence: missense variant. On other transcripts: non-coding transcript variant (4).
Genome position (GRCh38, 1-based): chr10:3,143,422, C>T on the plus strand (G>A on the coding strand, the complement: PITRM1 is on the minus strand). VCF-style: chr10-3143422-C-T. GRCh37 (hg19) VCF-style: chr10-3185614-C-T.
Other names: c.2615G>A, p.Arg872Gln (NM_001242307.2); c.2318G>A, p.Arg773Gln (NM_001242309.1); c.2414G>A, p.Arg805Gln (NM_001347725.2); c.1799G>A, p.Arg600Gln (NM_001347726.2); c.1997G>A, p.Arg666Gln (NM_001347727.2); c.1307G>A, p.Arg436Gln (NM_001347728.2); c.2588G>A, p.Arg863Gln (NM_001347729.1); c.2390G>A, p.Arg797Gln (NM_001347730.1); short protein forms R797Q, R805Q, R863Q, R871Q, R600Q, R666Q, R872Q, R436Q.
Identifiers: ClinVar variation 2732251 (VCV002732251.2), dbSNP rs774144607, ClinGen allele CA5387322.

ClinVar aggregate classification (germline): Uncertain significance (1 of 4 stars; one submission).

Allele frequency attached by ClinVar (database versions not stated): gnomAD 0.00002; TOPMed 0.00003; ExAC 0.00007.
gnomAD v4.1: 39 of 1,613,024 alleles (0.0024%); highest among the groups gnomAD compares: Non-Finnish European, 0.003%; no homozygotes.

Submission:

Labcorp Genetics (formerly Invitae), Labcorp
Classification: Uncertain significance. Last evaluated: 2023-10-05. Review status: criteria provided, single submitter. Criteria: Invitae Variant Classification Sherloc (09022015). Collection method: clinical testing. Allele origin: germline.
Comment: This sequence change replaces arginine, which is basic and polar, with glutamine, which is neutral and polar, at codon 773 of the PITRM1 protein (p.Arg773Gln). This variant is present in population databases (rs774144607, gnomAD 0.008%). This variant has not been reported in the literature in individuals affected with PITRM1-related conditions. An algorithm developed to predict the effect of missense changes on protein structure and function (PolyPhen-2) suggests that this variant is likely to be disruptive. In summary, the available evidence is currently insufficient to determine the role of this variant in disease. Therefore, it has been classified as a Variant of Uncertain Significance.